The following is an entry in ClinVar:

NM_003047.5(SLC9A1):c.28C>T (p.Leu10Phe)

Gene: SLC9A1 (solute carrier family 9 member A1; minus strand). Cytogenetic location: 1p36.11.
Variant type: single nucleotide variant.
Coding change: c.28C>T on transcript NM_003047.5 (MANE Select); coding-DNA position 28, C replaced by T.
Protein change: p.Leu10Phe; replaces leucine 10 with phenylalanine.
Molecular consequence: missense variant. On other transcripts: non-coding transcript variant (1).
Genome position (GRCh38, 1-based): chr1:27,154,307, G>A on the plus strand (C>T on the coding strand, the complement: SLC9A1 is on the minus strand). VCF-style: chr1-27154307-G-A. GRCh37 (hg19) VCF-style: chr1-27480798-G-A.
Other names: short protein forms L10F.
Identifiers: ClinVar variation 3014553 (VCV003014553.3), dbSNP rs773554049, ClinGen allele CA711412.

ClinVar aggregate classification (germline): Uncertain significance (1 of 4 stars; one submission).

Allele frequency attached by ClinVar (database versions not stated): TOPMed 0.00001; gnomAD 0.00002; ExAC 0.00004.
gnomAD v4.1: 35 of 1,602,198 alleles (0.0022%); highest among the groups gnomAD compares: Non-Finnish European, 0.0027%; no homozygotes.

Submission:

Labcorp Genetics (formerly Invitae), Labcorp
Classification: Uncertain significance. Last evaluated: 2023-12-15. Review status: criteria provided, single submitter. Criteria: Invitae Variant Classification Sherloc (09022015). Collection method: clinical testing. Allele origin: germline.
Comment: This sequence change replaces leucine, which is neutral and non-polar, with phenylalanine, which is neutral and non-polar, at codon 10 of the SLC9A1 protein (p.Leu10Phe). This variant is present in population databases (rs773554049, gnomAD 0.005%). This variant has not been reported in the literature in individuals affected with SLC9A1-related conditions. An algorithm developed to predict the effect of missense changes on protein structure and function (PolyPhen-2) suggests that this variant is likely to be tolerated. In summary, the available evidence is currently insufficient to determine the role of this variant in disease. Therefore, it has been classified as a Variant of Uncertain Significance.